The following is an entry in ClinVar:

ClinVar aggregate classification (germline): Uncertain significance (1 of 4 stars; one submission).

Conditions:
EYA4-related disorder. Also called: EYA4-related condition; EYA4-related disorders. Identifiers: MedGen CN239388.

Submission:

PreventionGenetics, part of Exact Sciences
Classification: Uncertain significance for EYA4-related condition. Last evaluated: 2023-08-10. Review status: criteria provided, single submitter. Criteria: ACMG Guidelines, 2015. Collection method: clinical testing. Allele origin: germline.
Comment: The EYA4 c.1835A>C variant is predicted to result in the amino acid substitution p.Lys612Thr. To our knowledge, this variant has not been reported in the literature or in a large population database, indicating this variant is rare. At this time, the clinical significance of this variant is uncertain due to the absence of conclusive functional and genetic evidence.

NM_004100.5(EYA4):c.1835A>C (p.Lys612Thr)

Genes: EYA4 (EYA transcriptional coactivator and phosphatase 4; plus strand), TARID (TCF21 antisense RNA inducing promoter demethylation; minus strand). Cytogenetic location: 6q23.2.
Variant type: single nucleotide variant.
Coding change: c.1835A>C on transcript NM_004100.5 (MANE Select); coding-DNA position 1835, A replaced by C.
Protein change: p.Lys612Thr; replaces lysine 612 with threonine.
Molecular consequence: missense variant. On other transcripts: intron variant (3).
Genome position (GRCh38, 1-based): chr6:133,525,250, A>C. VCF-style: chr6-133525250-A-C. GRCh37 (hg19) VCF-style: chr6-133846388-A-C.
Other names: c.1853A>C, p.Lys618Thr (NM_001301013.2); c.1691A>C, p.Lys564Thr (NM_001370459.1); c.1766A>C, p.Lys589Thr (NM_172103.4); c.1839+135A>C (NM_172105.4); c.1770+135A>C (NM_001370458.1); c.1677+135A>C (NM_001301012.2); short protein forms K564T, K589T, K612T, K618T.
Identifiers: ClinVar variation 2631253 (VCV002631253.1), dbSNP rs1800540841, ClinGen allele CA365701092.